The following is an entry in ClinVar:

NM_003803.4(MYOM1):c.965A>G (p.Asn322Ser)

Gene: MYOM1 (myomesin 1; minus strand). Cytogenetic location: 18p11.31.
Variant type: single nucleotide variant.
Coding change: c.965A>G on transcript NM_003803.4 (MANE Select); coding-DNA position 965, A replaced by G.
Protein change: p.Asn322Ser; replaces asparagine 322 with serine.
Molecular consequence: missense variant.
Genome position (GRCh38, 1-based): chr18:3,176,099, T>C on the plus strand (A>G on the coding strand, the complement: MYOM1 is on the minus strand). VCF-style: chr18-3176099-T-C. GRCh37 (hg19) VCF-style: chr18-3176097-T-C.
Other names: c.965A>G, p.Asn322Ser (NM_019856.2); short protein forms N322S.
Identifiers: ClinVar variation 3223578 (VCV003223578.1), dbSNP rs2510702227, ClinGen allele CA401715935.

ClinVar aggregate classification (germline): Uncertain significance (1 of 4 stars; one submission).

Submission:

Ambry Genetics
Classification: Uncertain significance. Last evaluated: 2023-10-19. Review status: criteria provided, single submitter. Criteria: Ambry Variant Classification Scheme 2023. Collection method: clinical testing. Allele origin: germline.
Comment: The p.N322S variant (also known as c.965A>G), located in coding exon 5 of the MYOM1 gene, results from an A to G substitution at nucleotide position 965. The asparagine at codon 322 is replaced by serine, an amino acid with highly similar properties. This amino acid position is conserved. In addition, this alteration is predicted to be tolerated by in silico analysis. Since supporting evidence is limited at this time, the clinical significance of this alteration remains unclear.